The following is an entry in ClinVar:

NM_052989.3(IFT122):c.686A>C (p.Glu229Ala)

Gene: IFT122 (intraflagellar transport 122; plus strand). Cytogenetic location: 3q21.3.
Variant type: single nucleotide variant.
Coding change: c.686A>C on transcript NM_052989.3 (MANE Select); coding-DNA position 686, A replaced by C.
Protein change: p.Glu229Ala; replaces glutamic acid 229 with alanine.
Molecular consequence: missense variant. On other transcripts: intron variant (4).
Genome position (GRCh38, 1-based): chr3:129,467,012, A>C. VCF-style: chr3-129467012-A-C. GRCh37 (hg19) VCF-style: chr3-129185855-A-C.
Other names: c.236A>C, p.Glu79Ala (NM_001280545.2); c.839A>C, p.Glu280Ala (NM_052985.4); c.716+2231A>C (NM_001280541.2); c.563+2231A>C (NM_018262.4); c.113+2231A>C (NM_001280546.2); c.407+2231A>C (NM_052990.3); short protein forms E229A, E79A, E280A.
Identifiers: ClinVar variation 1392411 (VCV001392411.8), dbSNP rs1433055646, ClinGen allele CA354469851.

ClinVar aggregate classification (germline): Uncertain significance (1 of 4 stars; one submission).

Conditions:
Cranioectodermal dysplasia 1 (CED1). Also called: LEVIN SYNDROME I. Identifiers: Orphanet 1515, MedGen C0432235, MONDO:0021093, OMIM 218330.

Submission:

Labcorp Genetics (formerly Invitae), Labcorp
Classification: Uncertain significance for Cranioectodermal dysplasia 1. Last evaluated: 2023-07-03. Review status: criteria provided, single submitter. Criteria: Invitae Variant Classification Sherloc (09022015). Collection method: clinical testing. Allele origin: germline.
Comment: This variant has not been reported in the literature in individuals affected with IFT122-related conditions. In summary, the available evidence is currently insufficient to determine the role of this variant in disease. Therefore, it has been classified as a Variant of Uncertain Significance. Algorithms developed to predict the effect of sequence changes on RNA splicing suggest that this variant may create or strengthen a splice site. An algorithm developed to predict the effect of missense changes on protein structure and function (PolyPhen-2) suggests that this variant is likely to be tolerated. ClinVar contains an entry for this variant (Variation ID: 1392411). This variant is not present in population databases (gnomAD no frequency). This sequence change replaces glutamic acid, which is acidic and polar, with alanine, which is neutral and non-polar, at codon 280 of the IFT122 protein (p.Glu280Ala).